The following is an entry in ClinVar:

ClinVar aggregate classification (germline): Uncertain significance (1 of 4 stars; one submission).

Allele frequency attached by ClinVar (database versions not stated): ExAC 0.00001; TOPMed 0.00008; gnomAD 0.00009.
gnomAD v4.1: 30 of 1,611,928 alleles (0.0019%); highest among the groups gnomAD compares: African/African-American, 0.035%; no homozygotes.

Submission:

Mayo Clinic Laboratories, Mayo Clinic
Classification: Uncertain significance. Last evaluated: 2023-03-02. Review status: criteria provided, single submitter. Criteria: ACMG Guidelines, 2015. Collection method: clinical testing. Allele origin: germline. Observed: 1 variant allele.
Comment: BP4, PM2

NM_001321759.2(CDIN1):c.307A>T (p.Ile103Leu)

Gene: CDIN1 (CDAN1 interacting nuclease 1; plus strand). Cytogenetic location: 15q14.
Variant type: single nucleotide variant.
Coding change: c.307A>T on transcript NM_001321759.2 (MANE Select); coding-DNA position 307, A replaced by T.
Protein change: p.Ile103Leu; replaces isoleucine 103 with leucine.
Molecular consequence: missense variant. On other transcripts: 5 prime UTR variant (1).
Genome position (GRCh38, 1-based): chr15:36,657,866, A>T. VCF-style: chr15-36657866-A-T. GRCh37 (hg19) VCF-style: chr15-36950067-A-T.
Other names: p.Ile103Leu; c.307A>T, p.Ile103Leu (NM_001130010.3, NM_001290233.2, NM_001321760.2 and 1 more transcripts); c.13A>T, p.Ile5Leu (NM_001290232.2, NM_001321756.2, NM_032499.6); c.-97A>T (NM_001321757.2); c.196A>T, p.Ile66Leu (NM_001321758.2); short protein forms I103L, I5L, I66L.
Identifiers: ClinVar variation 2683789 (VCV002683789.1), dbSNP rs766798444, ClinGen allele CA7468793.